The following is an entry in ClinVar:

ClinVar aggregate classification (germline): Likely benign (0 of 4 stars; one submission).

Conditions:
DLL1-related disorder. Also called: DLL1-related condition.

Allele frequency attached by ClinVar (database versions not stated): gnomAD exomes 0.00001.
gnomAD v4.1: 15 of 1,613,342 alleles (0.00093%); highest among the groups gnomAD compares: Non-Finnish European, 0.0013%; no homozygotes.

Submission:

PreventionGenetics, part of Exact Sciences
Classification: Likely benign for DLL1-related condition. Last evaluated: 2023-12-21. Review status: no assertion criteria provided. Collection method: clinical testing. Allele origin: germline.
Comment: This variant is classified as likely benign based on ACMG/AMP sequence variant interpretation guidelines (Richards et al. 2015 PMID: 25741868, with internal and published modifications).

NM_005618.4(DLL1):c.1249+9G>A

Gene: DLL1 (delta like canonical Notch ligand 1; minus strand). Cytogenetic location: 6q27.
Variant type: single nucleotide variant.
Coding change: c.1249+9G>A on transcript NM_005618.4 (MANE Select); 9 bases into the intron after coding-DNA position 1249, G replaced by A.
Molecular consequence: intron variant.
Genome position (GRCh38, 1-based): chr6:170,284,910, C>T on the plus strand (G>A on the coding strand, the complement: DLL1 is on the minus strand). VCF-style: chr6-170284910-C-T. GRCh37 (hg19) VCF-style: chr6-170593998-C-T.
Identifiers: ClinVar variation 3029635 (VCV003029635.2), dbSNP rs1435513216, ClinGen allele CA572017323.
Genomic context (GRCh38, chr6:170,284,910, plus strand): 5'-TGTTTTTAATGCCACCTCAGTATTGACCGCTCGCCCGAGTCTCTGAGCAATCACCAGCTG[C>T]CCCCTTACCATTAGAACAGGGTGAAGAGCTGCAGTAGTCAATTTTCTTCTCACAGTTGAA-3'